The following is an entry in ClinVar:

ClinVar aggregate classification (germline): Uncertain significance (1 of 4 stars; one submission).

Conditions:
Ciliary dyskinesia, primary, 37 (CILD37). Also called: CILIARY DYSKINESIA, PRIMARY, 37, WITH OR WITHOUT SITUS INVERSUS. Identifiers: MedGen C4539798, MONDO:0033204, OMIM 617577.
Spermatogenic failure 18. Identifiers: MedGen C4539783, MONDO:0054615, OMIM 617576.

Allele frequency attached by ClinVar (database versions not stated): gnomAD 0.00001; gnomAD exomes 0.00001; TOPMed 0.00001; ExAC 0.00002.
gnomAD v4.1: 15 of 1,613,026 alleles (0.00093%); highest among the groups gnomAD compares: Middle Eastern, 0.016%; no homozygotes.

Submission:

Labcorp Genetics (formerly Invitae), Labcorp
Classification: Uncertain significance for Ciliary dyskinesia, primary, 37; Spermatogenic failure 18. Last evaluated: 2022-08-30. Review status: criteria provided, single submitter. Criteria: Invitae Variant Classification Sherloc (09022015). Collection method: clinical testing. Allele origin: germline.
Comment: This sequence change replaces arginine, which is basic and polar, with glutamine, which is neutral and polar, at codon 1399 of the DNAH1 protein (p.Arg1399Gln). This variant is present in population databases (rs759559144, gnomAD 0.006%). This variant has not been reported in the literature in individuals affected with DNAH1-related conditions. ClinVar contains an entry for this variant (Variation ID: 657540). Algorithms developed to predict the effect of missense changes on protein structure and function output the following: SIFT: "Tolerated"; PolyPhen-2: "Benign"; Align-GVGD: "Class C0". The glutamine amino acid residue is found in multiple mammalian species, which suggests that this missense change does not adversely affect protein function. In summary, the available evidence is currently insufficient to determine the role of this variant in disease. Therefore, it has been classified as a Variant of Uncertain Significance.

NM_015512.5(DNAH1):c.4196G>A (p.Arg1399Gln)

Gene: DNAH1 (dynein axonemal heavy chain 1; plus strand). Cytogenetic location: 3p21.1.
Variant type: single nucleotide variant.
Coding change: c.4196G>A on transcript NM_015512.5 (MANE Select); coding-DNA position 4196, G replaced by A.
Protein change: p.Arg1399Gln; replaces arginine 1399 with glutamine.
Molecular consequence: missense variant.
Genome position (GRCh38, 1-based): chr3:52,358,667, G>A. VCF-style: chr3-52358667-G-A. GRCh37 (hg19) VCF-style: chr3-52392683-G-A.
Other names: short protein forms R1399Q.
Identifiers: ClinVar variation 657540 (VCV000657540.3), dbSNP rs759559144, ClinGen allele CA2433835.